The following is an entry in ClinVar:

NM_138554.5(TLR4):c.1899C>A (p.Ile633=)

Gene: TLR4 (toll like receptor 4; plus strand). Cytogenetic location: 9q33.1.
Variant type: single nucleotide variant.
Coding change: c.1899C>A on transcript NM_138554.5 (MANE Select); coding-DNA position 1899, C replaced by A.
Protein change: p.Ile633=; no amino-acid change (isoleucine 633 retained).
Molecular consequence: synonymous variant.
Genome position (GRCh38, 1-based): chr9:117,714,027, C>A. VCF-style: chr9-117714027-C-A. GRCh37 (hg19) VCF-style: chr9-120476305-C-A.
Other names: c.1779C>A, p.Ile593= (NM_003266.4); c.1299C>A, p.Ile433= (NM_138557.3).
Identifiers: ClinVar variation 3039442 (VCV003039442.2), dbSNP rs140661916, ClinGen allele CA5212436.

ClinVar aggregate classification (germline): Likely benign (0 of 4 stars; one submission).

Conditions:
TLR4-related disorder. Also called: TLR4-related condition.

Allele frequency attached by ClinVar (database versions not stated): gnomAD 0.00001; TOPMed 0.00002; ExAC 0.00004; ESP Exome Variant Server 0.00008.
gnomAD v4.1: 19 of 1,613,786 alleles (0.0012%); highest among the groups gnomAD compares: Non-Finnish European, 0.0016%; no homozygotes.

Submission:

PreventionGenetics, part of Exact Sciences
Classification: Likely benign for TLR4-related condition. Last evaluated: 2019-05-28. Review status: no assertion criteria provided. Collection method: clinical testing. Allele origin: germline.
Comment: This variant is classified as likely benign based on ACMG/AMP sequence variant interpretation guidelines (Richards et al. 2015 PMID: 25741868, with internal and published modifications).